The following is an entry in ClinVar:

ClinVar aggregate classification (germline): Conflicting classifications of pathogenicity. Review status: criteria provided, conflicting classifications (1 of 4 stars). 3 submissions from 3 submitters: Uncertain significance (2); Likely benign (1). Last evaluated 2023-03-23.

Conditions:
Hereditary breast ovarian cancer syndrome. Also called: Hereditary breast and ovarian cancer syndrome; BRCA1- and BRCA2-Associated Hereditary Breast and Ovarian Cancer; Hereditary breast and ovarian cancer syndrome (HBOC); Hereditary breast and/or ovarian cancer syndrome; Hereditary breast and ovarian cancer; Breast and ovarian cancer. Identifiers: Orphanet 145, MedGen C0677776, MeSH D061325, MONDO:0003582. Disease mechanism: loss of function.
Hereditary cancer-predisposing syndrome. Also called: Hereditary neoplastic syndrome; Tumor predisposition; Hereditary Cancer Syndrome; Neoplastic Syndromes, Hereditary. Identifiers: Orphanet 140162, MedGen C0027672, MeSH D009386, MONDO:0015356.

Allele frequency attached by ClinVar (database versions not stated): gnomAD exomes below 0.00001.
gnomAD v4.1: 3 of 1,607,602 alleles (0.00019%); highest among the groups gnomAD compares: Non-Finnish European, 0.00025%; no homozygotes.

Submissions (3):

University of Washington Department of Laboratory Medicine, University of Washington
Classification: Likely benign for Hereditary cancer-predisposing syndrome. Last evaluated: 2023-03-23. Review status: criteria provided, single submitter. Criteria: Dines et al. (Genet Med. 2020). Collection method: curation. Allele origin: germline.
Comment: Missense variant in a coldspot region where missense variants are very unlikely to be pathogenic (PMID:31911673).

BRCA2 exon 10 coldspot. Reclassification based on statistical prior probability.

Labcorp Genetics (formerly Invitae), Labcorp
Classification: Uncertain significance for Hereditary breast ovarian cancer syndrome. Last evaluated: 2023-02-14. Review status: criteria provided, single submitter. Criteria: Invitae Variant Classification Sherloc (09022015). Collection method: clinical testing. Allele origin: germline.
Comment: This sequence change replaces aspartic acid, which is acidic and polar, with glycine, which is neutral and non-polar, at codon 438 of the BRCA2 protein (p.Asp438Gly). This variant is not present in population databases (gnomAD no frequency). This variant has not been reported in the literature in individuals affected with BRCA2-related conditions. Advanced modeling of protein sequence and biophysical properties (such as structural, functional, and spatial information, amino acid conservation, physicochemical variation, residue mobility, and thermodynamic stability) performed at Invitae indicates that this missense variant is not expected to disrupt BRCA2 protein function. In summary, the available evidence is currently insufficient to determine the role of this variant in disease. Therefore, it has been classified as a Variant of Uncertain Significance.

Quest Diagnostics Nichols Institute San Juan Capistrano
Classification: Uncertain significance. Last evaluated: 2022-12-03. Review status: criteria provided, single submitter. Criteria: Quest Diagnostics criteria. Collection method: clinical testing. Allele origin: unknown.
Comment: This variant has not been reported in the published literature. It also has not been reported in large, multi-ethnic general populations. Analysis of this variant using bioinformatics tools for the prediction of the effect of amino acid changes on protein structure and function yielded predictions that this variant is benign. Based on the available information, we are unable to determine the clinical significance of this variant.

NM_000059.4(BRCA2):c.1313A>G (p.Asp438Gly)

Gene: BRCA2 (BRCA2 DNA repair associated; plus strand). Cytogenetic location: 13q13.1.
Variant type: single nucleotide variant.
Coding change: c.1313A>G on transcript NM_000059.4 (MANE Select); coding-DNA position 1313, A replaced by G.
Protein change: p.Asp438Gly; replaces aspartic acid 438 with glycine.
Molecular consequence: missense variant.
Genome position (GRCh38, 1-based): chr13:32,332,791, A>G. VCF-style: chr13-32332791-A-G. GRCh37 (hg19) VCF-style: chr13-32906928-A-G.
Other names: c.1313A>G, p.Asp438Gly (NM_001406719.1, NM_001406720.1, NM_001406721.1); short protein forms D438G.
Identifiers: ClinVar variation 2128941 (VCV002128941.7), dbSNP rs2137470041, ClinGen allele CA387762623.